The following is an entry in ClinVar:

NM_001165963.4(SCN1A):c.5965G>A (p.Val1989Met)

Genes: SCN1A (sodium voltage-gated channel alpha subunit 1; minus strand), LOC102724058 (uncharacterized LOC102724058; plus strand). Cytogenetic location: 2q24.3.
Variant type: single nucleotide variant.
Coding change: c.5965G>A on transcript NM_001165963.4 (MANE Select); coding-DNA position 5965, G replaced by A.
Protein change: p.Val1989Met; replaces valine 1989 with methionine.
Molecular consequence: missense variant. On other transcripts: non-coding transcript variant (1).
Genome position (GRCh38, 1-based): chr2:165,991,310, C>T on the plus strand (G>A on the coding strand, the complement: SCN1A is on the minus strand). VCF-style: chr2-165991310-C-T. GRCh37 (hg19) VCF-style: chr2-166847820-C-T.
Other names: c.5881G>A, p.Val1961Met (NM_001165964.3, NM_001353957.2, NM_001353958.2); c.5965G>A, p.Val1989Met (NM_001202435.3, NM_001353948.2); c.5932G>A, p.Val1978Met (NM_001353949.2, NM_001353950.2, NM_001353951.2 and 2 more transcripts); c.5929G>A, p.Val1977Met (NM_001353954.2, NM_001353955.2); c.5878G>A, p.Val1960Met (NM_001353960.2); c.3523G>A, p.Val1175Met (NM_001353961.2); short protein forms V1989M, V1175M, V1978M, V1960M, V1961M, V1977M.
Identifiers: ClinVar variation 4751094 (VCV004751094.2).

ClinVar aggregate classification (germline): Uncertain significance. Review status: criteria provided, multiple submitters, no conflicts (2 of 4 stars). 2 submissions from 2 submitters: Uncertain significance (2). Last evaluated 2026-01-09.

Conditions:
Early-infantile DEE. Also called: Early infantile epileptic encephalopathy; Ohtahara syndrome; Early infantile epileptic encephalopathy with suppression bursts. Identifiers: Orphanet 1934, MedGen C0393706, MONDO:0800491.

gnomAD v4.1: 13 of 1,613,406 alleles (0.00081%); highest among the groups gnomAD compares: Non-Finnish European, 0.0011%; no homozygotes.

Submissions (2):

Labcorp Genetics (formerly Invitae), Labcorp
Classification: Uncertain significance for Early-infantile DEE. Last evaluated: 2026-01-09. Review status: criteria provided, single submitter. Criteria: Invitae Variant Classification Sherloc (09022015). Collection method: clinical testing. Allele origin: germline.
Comment: This sequence change replaces valine, which is neutral and non-polar, with methionine, which is neutral and non-polar, at codon 1989 of the SCN1A protein (p.Val1989Met). This variant is present in population databases (rs781370341, gnomAD 0.003%). This variant has not been reported in the literature in individuals affected with SCN1A-related conditions. Invitae Evidence Modeling of protein sequence and biophysical properties (such as structural, functional, and spatial information, amino acid conservation, physicochemical variation, residue mobility, and thermodynamic stability) indicates that this missense variant is expected to disrupt SCN1A protein function with a positive predictive value of 80%. In summary, the available evidence is currently insufficient to determine the role of this variant in disease. Therefore, it has been classified as a Variant of Uncertain Significance.

Blueprint Genetics
Classification: Uncertain significance. Last evaluated: 2022-08-05. Review status: criteria provided, single submitter. Criteria: ACMG Guidelines, 2015. Collection method: clinical testing. Allele origin: germline.